The following is an entry in ClinVar:

ClinVar aggregate classification (germline): Benign. Review status: criteria provided, multiple submitters, no conflicts (2 of 4 stars). 2 submissions from 2 submitters: Benign (2). Last evaluated 2018-06-14.

Allele frequency attached by ClinVar (database versions not stated): gnomAD exomes 0.10012; TOPMed 0.10184; 1000 Genomes Project 30x 0.07589; 1000 Genomes Project 0.07768; gnomAD 0.10474 and 0.10805.
gnomAD v4.1: 104,361 of 1,038,432 alleles (10%); highest among the groups gnomAD compares: African/African-American, 12%; 5,982 homozygotes.

Submissions (2):

GeneDx
Classification: Benign. Last evaluated: 2018-06-14. Review status: criteria provided, single submitter. Criteria: GeneDx Variant Classification (06012015). Collection method: clinical testing. Allele origin: germline. Affected: yes.
Comment: This variant is considered likely benign or benign based on one or more of the following criteria: it is a conservative change, it occurs at a poorly conserved position in the protein, it is predicted to be benign by multiple in silico algorithms, and/or has population frequency not consistent with disease.

Breakthrough Genomics
Classification: Benign. Review status: criteria provided, single submitter. Criteria: ACMG Guidelines, 2015. Collection method: not provided. Allele origin: germline. Inheritance: Autosomal recessive inheritance. Affected: yes.

NM_001457.4(FLNB):c.6772+113G>A

Gene: FLNB (filamin B; plus strand). Cytogenetic location: 3p14.3.
Variant type: single nucleotide variant.
Coding change: c.6772+113G>A on transcript NM_001457.4 (MANE Select); 113 bases into the intron after coding-DNA position 6772, G replaced by A.
Molecular consequence: intron variant.
Genome position (GRCh38, 1-based): chr3:58,155,041, G>A. VCF-style: chr3-58155041-G-A. GRCh37 (hg19) VCF-style: chr3-58140768-G-A.
Other names: c.6865+113G>A (NM_001164317.2); c.6739+113G>A (NM_001164318.2); c.6700+113G>A (NM_001164319.2).
Identifiers: ClinVar variation 675123 (VCV000675123.2), dbSNP rs13075269, ClinGen allele CA15250995.